The following is an entry in ClinVar:

NM_001035.3(RYR2):c.349C>T (p.His117Tyr)

Gene: RYR2 (ryanodine receptor 2; plus strand). Cytogenetic location: 1q43.
Variant type: single nucleotide variant.
Coding change: c.349C>T on transcript NM_001035.3 (MANE Select); coding-DNA position 349, C replaced by T.
Protein change: p.His117Tyr; replaces histidine 117 with tyrosine.
Molecular consequence: missense variant.
Genome position (GRCh38, 1-based): chr1:237,369,573, C>T. VCF-style: chr1-237369573-C-T. GRCh37 (hg19) VCF-style: chr1-237532873-C-T.
Other names: c.349C>T, p.His117Tyr (LRG_402t1); short protein forms H117Y.
Identifiers: ClinVar variation 392683 (VCV000392683.13), dbSNP rs1057524592, ClinGen allele CA16603553.

ClinVar aggregate classification (germline): Uncertain significance. Review status: criteria provided, multiple submitters, no conflicts (2 of 4 stars). 2 submissions from 2 submitters: Uncertain significance (2). Last evaluated 2019-04-11.

Conditions:
Catecholaminergic polymorphic ventricular tachycardia 1. Also called: VENTRICULAR TACHYCARDIA, CATECHOLAMINERGIC POLYMORPHIC, 1, WITH OR WITHOUT ATRIAL DYSFUNCTION AND/OR DILATED CARDIOMYOPATHY; RYR2-Related Catecholaminergic Polymorphic Ventricular Tachycardia; VENTRICULAR TACHYCARDIA, STRESS-INDUCED POLYMORPHIC 1. Identifiers: Orphanet 3286, MedGen C1631597, MONDO:0011484, OMIM 604772.

Allele frequency attached by ClinVar (database versions not stated): gnomAD exomes below 0.00001.
gnomAD v4.1: 2 of 1,565,356 alleles (0.00013%); highest among the groups gnomAD compares: Non-Finnish European, 0.00017%; no homozygotes.

Submissions (2):

Labcorp Genetics (formerly Invitae), Labcorp
Classification: Uncertain significance for Catecholaminergic polymorphic ventricular tachycardia 1. Last evaluated: 2019-04-11. Review status: criteria provided, single submitter. Criteria: Invitae Variant Classification Sherloc (09022015). Collection method: clinical testing. Allele origin: germline.
Comment: In summary, the available evidence is currently insufficient to determine the role of this variant in disease. Therefore, it has been classified as a Variant of Uncertain Significance. Algorithms developed to predict the effect of missense changes on protein structure and function (SIFT, PolyPhen-2, Align-GVGD) all suggest that this variant is likely to be disruptive, but these predictions have not been confirmed by published functional studies and their clinical significance is uncertain. This variant has not been reported in the literature in individuals with RYR2-related conditions. ClinVar contains an entry for this variant (Variation ID: 392683). This variant is not present in population databases (ExAC no frequency). This sequence change replaces histidine with tyrosine at codon 117 of the RYR2 protein (p.His117Tyr). The histidine residue is highly conserved and there is a moderate physicochemical difference between histidine and tyrosine.

GeneDx
Classification: Uncertain significance. Last evaluated: 2017-01-11. Review status: criteria provided, single submitter. Criteria: GeneDx Variant Classification (06012015). Collection method: clinical testing. Allele origin: germline. Affected: yes.
Comment: A variant of uncertain significance has been identified in the RYR2 gene. The H117Y variant has not been published as a pathogenic variant, nor has it been reported as a benign variant to our knowledge. This variant was not observed in approximately 6,100 individuals of European and African American ancestry in the NHLBI Exome Sequencing Project, indicating it is not a common benign variant in these populations. The H117Y variant is a non-conservative amino acid substitution, which is likely to impact secondary protein structure as these residues differ in polarity, charge, size and/or other properties. Furthermore, this substitution occurs at a position that is conserved across species and in silico analysis predicts this variant is probably damaging to the protein structure/function. Additionally, H117Y is located in one of the three hot-spot regions of the RYR2 gene, where the majority of pathogenic missense variants occur (Medeiros-Domingo et al., 2009). Nevertheless, this variant has not been observed in a significant number of affected individuals, and there are no functional or segregation studies available to further clarify the role of this variant in disease.